The following is an entry in ClinVar:

ClinVar aggregate classification (germline): Uncertain significance (1 of 4 stars; one submission).

Allele frequency attached by ClinVar (database versions not stated): ExAC 0.00001; gnomAD 0.00003; TOPMed 0.00003; gnomAD exomes 0.00005.
gnomAD v4.1: 77 of 1,613,818 alleles (0.0048%); highest among the groups gnomAD compares: Non-Finnish European, 0.0058%; no homozygotes.

Submission:

Ambry Genetics
Classification: Uncertain significance. Last evaluated: 2023-08-25. Review status: criteria provided, single submitter. Criteria: Ambry Variant Classification Scheme 2023. Collection method: clinical testing. Allele origin: germline.
Comment: The p.R552Q variant (also known as c.1655G>A), located in coding exon 15 of the RAD54L gene, results from a G to A substitution at nucleotide position 1655. The arginine at codon 552 is replaced by glutamine, an amino acid with highly similar properties. This amino acid position is conserved. In addition, this alteration is predicted to be deleterious by in silico analysis. Since supporting evidence is limited at this time, the clinical significance of this alteration remains unclear.

NM_003579.4(RAD54L):c.1655G>A (p.Arg552Gln)

Gene: RAD54L (RAD54 like; plus strand). Cytogenetic location: 1p34.1.
Variant type: single nucleotide variant.
Coding change: c.1655G>A on transcript NM_003579.4 (MANE Select); coding-DNA position 1655, G replaced by A.
Protein change: p.Arg552Gln; replaces arginine 552 with glutamine.
Molecular consequence: missense variant.
Genome position (GRCh38, 1-based): chr1:46,274,182, G>A. VCF-style: chr1-46274182-G-A. GRCh37 (hg19) VCF-style: chr1-46739854-G-A.
Other names: c.1655G>A, p.Arg552Gln (NM_001142548.2); c.1115G>A, p.Arg372Gln (NM_001370766.1); short protein forms R372Q, R552Q.
Identifiers: ClinVar variation 1777337 (VCV001777337.3), dbSNP rs746153043, ClinGen allele CA834683.